The following is an entry in ClinVar:

NM_001282531.3(ADNP):c.639G>A (p.Ser213=)

Gene: ADNP (activity dependent neuroprotector homeobox; minus strand). Cytogenetic location: 20q13.13.
Variant type: single nucleotide variant.
Coding change: c.639G>A on transcript NM_001282531.3 (MANE Select); coding-DNA position 639, G replaced by A.
Protein change: p.Ser213=; no amino-acid change (serine 213 retained).
Molecular consequence: synonymous variant.
Genome position (GRCh38, 1-based): chr20:50,894,075, C>T on the plus strand (G>A on the coding strand, the complement: ADNP is on the minus strand). VCF-style: chr20-50894075-C-T. GRCh37 (hg19) VCF-style: chr20-49510612-C-T.
Other names: c.639G>A, p.Ser213= (NM_001282532.2, NM_001347511.2, NM_015339.5 and 1 more transcripts); c.639G>A (NM_001282531.2).
Identifiers: ClinVar variation 2066105 (VCV002066105.6), dbSNP rs146897449, ClinGen allele CA9908853.

ClinVar aggregate classification (germline): Likely benign. Review status: criteria provided, multiple submitters, no conflicts (2 of 4 stars). 3 submissions from 3 submitters: Likely benign (3). Last evaluated 2025-12-21.

Conditions:
ADNP-related disorder. Also called: ADNP-related condition.

Allele frequency attached by ClinVar (database versions not stated): gnomAD exomes 0.00008; gnomAD 0.00011; TOPMed 0.00011; ExAC 0.00014; 1000 Genomes Project 30x 0.00016; 1000 Genomes Project 0.00020; ESP Exome Variant Server 0.00023.
gnomAD v4.1: 147 of 1,614,160 alleles (0.0091%); highest among the groups gnomAD compares: South Asian, 0.035%; no homozygotes.

Submissions (3):

PreventionGenetics, part of Exact Sciences
Classification: Likely benign for ADNP-related condition. Last evaluated: 2025-12-21. Review status: criteria provided, single submitter. Criteria: ACMG Guidelines, 2015. Collection method: clinical testing. Allele origin: germline.
Comment: This variant is classified as likely benign based on ACMG/AMP sequence variant interpretation guidelines (Richards et al. 2015 PMID: 25741868, with internal and published modifications).

Labcorp Genetics (formerly Invitae), Labcorp
Classification: Likely benign. Last evaluated: 2025-03-10. Review status: criteria provided, single submitter. Criteria: Invitae Variant Classification Sherloc (09022015). Collection method: clinical testing. Allele origin: germline.

Blueprint Genetics
Classification: Likely benign. Last evaluated: 2024-01-04. Review status: criteria provided, single submitter. Criteria: ACMG Guidelines, 2015. Collection method: clinical testing. Allele origin: germline.